The following is an entry in ClinVar:

ClinVar aggregate classification (germline): Uncertain significance (1 of 4 stars; one submission).

Conditions:
Gamma-aminobutyric acid transaminase deficiency (GABATD). Also called: GABA transaminase deficiency; Gamma aminobutyrate transaminase deficiency; 4 alpha aminobutyrate transaminase deficiency; GABA aminotransaminase deficiency. Identifiers: Orphanet 2066, MedGen C0342708, MONDO:0013166, OMIM 613163.

Allele frequency attached by ClinVar (database versions not stated): gnomAD 0.00001; gnomAD exomes 0.00005; ExAC 0.00007.

Submission:

Labcorp Genetics (formerly Invitae), Labcorp
Classification: Uncertain significance for Gamma-aminobutyric acid transaminase deficiency. Last evaluated: 2022-09-12. Review status: criteria provided, single submitter. Criteria: Invitae Variant Classification Sherloc (09022015). Collection method: clinical testing. Allele origin: germline.
Comment: This sequence change replaces lysine, which is basic and polar, with asparagine, which is neutral and polar, at codon 231 of the ABAT protein (p.Lys231Asn). In summary, the available evidence is currently insufficient to determine the role of this variant in disease. Therefore, it has been classified as a Variant of Uncertain Significance. Advanced modeling of protein sequence and biophysical properties (such as structural, functional, and spatial information, amino acid conservation, physicochemical variation, residue mobility, and thermodynamic stability) performed at Invitae indicates that this missense variant is not expected to disrupt ABAT protein function. This variant has not been reported in the literature in individuals affected with ABAT-related conditions. This variant is present in population databases (rs748247745, gnomAD 0.02%).

NM_020686.6(ABAT):c.693A>T (p.Lys231Asn)

Gene: ABAT (4-aminobutyrate aminotransferase; plus strand). Cytogenetic location: 16p13.2.
Variant type: single nucleotide variant.
Coding change: c.693A>T on transcript NM_020686.6 (MANE Select); coding-DNA position 693, A replaced by T.
Protein change: p.Lys231Asn; replaces lysine 231 with asparagine.
Molecular consequence: missense variant.
Genome position (GRCh38, 1-based): chr16:8,768,850, A>T. VCF-style: chr16-8768850-A-T. GRCh37 (hg19) VCF-style: chr16-8862707-A-T.
Other names: c.693A>T, p.Lys231Asn (NM_000663.5, NM_001127448.2, NM_001386600.1 and 7 more transcripts); c.630A>T, p.Lys210Asn (NM_001386606.1, NM_001386607.1); c.600A>T, p.Lys200Asn (NM_001386608.1); c.558A>T, p.Lys186Asn (NM_001386610.1, NM_001386611.1); c.495A>T, p.Lys165Asn (NM_001386612.1, NM_001386613.1); c.447A>T, p.Lys149Asn (NM_001386614.1); c.789A>T, p.Lys263Asn (NM_001386615.1); short protein forms K210N, K231N, K263N, K186N, K200N, K149N, K165N.
Identifiers: ClinVar variation 2142258 (VCV002142258.4), dbSNP rs748247745, ClinGen allele CA7893269.